The following is an entry in ClinVar:

NM_001080517.3(SETD5):c.25G>T (p.Val9Phe)

Gene: SETD5 (SET domain containing 5; plus strand). Cytogenetic location: 3p25.3.
Variant type: single nucleotide variant.
Coding change: c.25G>T on transcript NM_001080517.3 (MANE Select); coding-DNA position 25, G replaced by T.
Protein change: p.Val9Phe; replaces valine 9 with phenylalanine.
Molecular consequence: missense variant. On other transcripts: 5 prime UTR variant (2).
Genome position (GRCh38, 1-based): chr3:9,428,963, G>T. VCF-style: chr3-9428963-G-T. GRCh37 (hg19) VCF-style: chr3-9470647-G-T.
Other names: c.-534G>T (NM_001292043.2); c.-575G>T (NM_001349451.2); short protein forms V9F.
Identifiers: ClinVar variation 1805777 (VCV001805777.1), dbSNP rs2472288134, ClinGen allele CA351679016.

ClinVar aggregate classification (germline): Uncertain significance (1 of 4 stars; one submission).

Conditions:
Intellectual disability-facial dysmorphism syndrome due to SETD5 haploinsufficiency (MRD23). Also called: Intellectual developmental disorder, autosomal dominant 23. Identifiers: Orphanet 404440, MedGen C3810406, MONDO:0014336, OMIM 615761.

Allele frequency attached by ClinVar (database versions not stated): gnomAD exomes 0.00001.
gnomAD v4.1: 11 of 1,613,358 alleles (0.00068%); highest among the groups gnomAD compares: Non-Finnish European, 0.00085%; no homozygotes.

Submission:

Victorian Clinical Genetics Services, Murdoch Childrens Research Institute
Classification: Uncertain significance for Intellectual disability-facial dysmorphism syndrome due to SETD5 haploinsufficiency. Last evaluated: 2020-05-21. Review status: criteria provided, single submitter. Criteria: ACMG Guidelines, 2015. Collection method: clinical testing. Allele origin: germline. Inheritance: Autosomal dominant inheritance.
Comment: A heterozygous missense variant was identified, NM_001080517.2(SETD5):c.25G>T in exon 3 of 23 of the SETD5 gene. (NB: this variant is non-coding in alternative transcripts). This substitution is predicted to create a minor amino acid change from a valine to a phenylalanine at position 9 of the protein; NP_001073986.1(SETD5):p.(Val9Phe). The valine at this position has high conservation (100 vertebrates, UCSC), but is not situated in a known functional domain (NCBI, PDB). In silico software predicts this variant to be damaging (PolyPhen2, SIFT, CADD, Mutation Taster). The variant is not present in the gnomAD population database and this variant has not previously been reported in clinical cases. Based on information available at the time of curation, this variant has been classified as a VUS.